The following is an entry in ClinVar:

ClinVar aggregate classification (germline): Uncertain significance (1 of 4 stars; one submission).

Allele frequency attached by ClinVar (database versions not stated): ExAC 0.00001.
gnomAD v4.1: 14 of 1,613,014 alleles (0.00087%); highest among the groups gnomAD compares: South Asian, 0.0055%; no homozygotes.

Submission:

Labcorp Genetics (formerly Invitae), Labcorp
Classification: Uncertain significance. Last evaluated: 2024-01-04. Review status: criteria provided, single submitter. Criteria: Invitae Variant Classification Sherloc (09022015). Collection method: clinical testing. Allele origin: germline.
Comment: This sequence change replaces alanine, which is neutral and non-polar, with threonine, which is neutral and polar, at codon 494 of the PPP3CA protein (p.Ala494Thr). This variant is present in population databases (rs778848431, gnomAD 0.003%). This variant has not been reported in the literature in individuals affected with PPP3CA-related conditions. Algorithms developed to predict the effect of missense changes on protein structure and function output the following: SIFT: "Not Available"; PolyPhen-2: "Benign"; Align-GVGD: "Not Available". The threonine amino acid residue is found in multiple mammalian species, which suggests that this missense change does not adversely affect protein function. In summary, the available evidence is currently insufficient to determine the role of this variant in disease. Therefore, it has been classified as a Variant of Uncertain Significance.

NM_000944.5(PPP3CA):c.1480G>A (p.Ala494Thr)

Gene: PPP3CA (protein phosphatase 3 catalytic subunit alpha; minus strand). Cytogenetic location: 4q24.
Variant type: single nucleotide variant.
Coding change: c.1480G>A on transcript NM_000944.5 (MANE Select); coding-DNA position 1480, G replaced by A.
Protein change: p.Ala494Thr; replaces alanine 494 with threonine.
Molecular consequence: missense variant.
Genome position (GRCh38, 1-based): chr4:101,025,951, C>T on the plus strand (G>A on the coding strand, the complement: PPP3CA is on the minus strand). VCF-style: chr4-101025951-C-T. GRCh37 (hg19) VCF-style: chr4-101947108-C-T.
Other names: c.1450G>A, p.Ala484Thr (NM_001130691.2); c.1324G>A, p.Ala442Thr (NM_001130692.2); short protein forms A442T, A484T, A494T.
Identifiers: ClinVar variation 2796637 (VCV002796637.3), dbSNP rs778848431, ClinGen allele CA3024226.